The following is an entry in ClinVar:

ClinVar aggregate classification (germline): Benign. Review status: criteria provided, multiple submitters, no conflicts (2 of 4 stars). 3 submissions from 3 submitters: Benign (3). Last evaluated 2026-02-02.

Conditions:
Isolated microphthalmia 6. Also called: MICROPHTHALMIA, POSTERIOR NONSYNDROMIC. Identifiers: Orphanet 2542, MedGen C3150757, MONDO:0013293, OMIM 613517.

Allele frequency attached by ClinVar (database versions not stated): gnomAD exomes 0.82211 and 0.85141; gnomAD 0.82607 and 0.83022; TOPMed 0.83349; 1000 Genomes Project 30x 0.85790; 1000 Genomes Project 0.86162; ExAC 0.87045.
gnomAD v4.1: 1,249,499 of 1,517,480 alleles (82%); highest among the groups gnomAD compares: East Asian, 95%; 515,464 homozygotes.

Submissions (3):

Labcorp Genetics (formerly Invitae), Labcorp
Classification: Benign for Isolated microphthalmia 6. Last evaluated: 2026-02-02. Review status: criteria provided, single submitter. Criteria: Invitae Variant Classification Sherloc (09022015). Collection method: clinical testing. Allele origin: germline.

GeneDx
Classification: Benign. Last evaluated: 2018-03-22. Review status: criteria provided, single submitter. Criteria: GeneDx Variant Classification (06012015). Collection method: clinical testing. Allele origin: germline. Affected: yes.
Comment: This variant is considered likely benign or benign based on one or more of the following criteria: it is a conservative change, it occurs at a poorly conserved position in the protein, it is predicted to be benign by multiple in silico algorithms, and/or has population frequency not consistent with disease.

Breakthrough Genomics
Classification: Benign. Review status: criteria provided, single submitter. Criteria: ACMG Guidelines, 2015. Collection method: not provided. Allele origin: germline. Inheritance: Autosomal recessive inheritance. Affected: yes.

NM_001195129.2(PRSS56):c.1251T>G (p.Pro417=)

Gene: PRSS56 (serine protease 56; plus strand). Cytogenetic location: 2q37.1.
Variant type: single nucleotide variant.
Coding change: c.1251T>G on transcript NM_001195129.2 (MANE Select); coding-DNA position 1251, T replaced by G.
Protein change: p.Pro417=; no amino-acid change (proline 417 retained).
Molecular consequence: synonymous variant.
Genome position (GRCh38, 1-based): chr2:232,524,103, T>G. VCF-style: chr2-232524103-T-G. GRCh37 (hg19) VCF-style: chr2-233388813-T-G.
Other names: c.1254T>G, p.Pro418= (NM_001369848.1).
Identifiers: ClinVar variation 677181 (VCV000677181.11), dbSNP rs2741299, ClinGen allele CA2167784.